The following is an entry in ClinVar:

ClinVar aggregate classification (germline): Uncertain significance (1 of 4 stars; one submission).

Conditions:
Hereditary spastic paraplegia 11. Also called: SPASTIC PARAPLEGIA, AUTOSOMAL RECESSIVE, COMPLICATED, WITH THIN CORPUS CALLOSUM; SPASTIC PARAPLEGIA, AUTOSOMAL RECESSIVE, WITH MENTAL IMPAIRMENT AND THIN CORPUS CALLOSUM; Spastic Paraplegia 11; Nakamura Osame syndrome; Autosomal recessive hereditary spastic paraplegia, mental impairment, and thin corpus callosum; Spastic paraplegia, mental retardation and thin corpus callosum. Identifiers: Orphanet 2822, MedGen C1858479, MONDO:0011445, OMIM 604360.

Allele frequency attached by ClinVar (database versions not stated): TOPMed below 0.00001; gnomAD 0.00001; gnomAD exomes 0.00001.
gnomAD v4.1: 9 of 1,613,492 alleles (0.00056%); highest among the groups gnomAD compares: African/African-American, 0.0027%; no homozygotes.

Submission:

Labcorp Genetics (formerly Invitae), Labcorp
Classification: Uncertain significance for Hereditary spastic paraplegia 11. Last evaluated: 2024-02-17. Review status: criteria provided, single submitter. Criteria: Invitae Variant Classification Sherloc (09022015). Collection method: clinical testing. Allele origin: germline.
Comment: This sequence change replaces tyrosine, which is neutral and polar, with cysteine, which is neutral and slightly polar, at codon 1383 of the SPG11 protein (p.Tyr1383Cys). This variant is present in population databases (no rsID available, gnomAD 0.01%). This variant has not been reported in the literature in individuals affected with SPG11-related conditions. ClinVar contains an entry for this variant (Variation ID: 952610). Advanced modeling of protein sequence and biophysical properties (such as structural, functional, and spatial information, amino acid conservation, physicochemical variation, residue mobility, and thermodynamic stability) has been performed at Invitae for this missense variant, however the output from this modeling did not meet the statistical confidence thresholds required to predict the impact of this variant on SPG11 protein function. In summary, the available evidence is currently insufficient to determine the role of this variant in disease. Therefore, it has been classified as a Variant of Uncertain Significance.

NM_025137.4(SPG11):c.4148A>G (p.Tyr1383Cys)

Gene: SPG11 (SPG11 vesicle trafficking associated, spatacsin; minus strand). Cytogenetic location: 15q21.1.
Variant type: single nucleotide variant.
Coding change: c.4148A>G on transcript NM_025137.4 (MANE Select); coding-DNA position 4148, A replaced by G.
Protein change: p.Tyr1383Cys; replaces tyrosine 1383 with cysteine.
Molecular consequence: missense variant.
Genome position (GRCh38, 1-based): chr15:44,596,797, T>C on the plus strand (A>G on the coding strand, the complement: SPG11 is on the minus strand). VCF-style: chr15-44596797-T-C. GRCh37 (hg19) VCF-style: chr15-44888995-T-C.
Other names: c.4148A>G, p.Tyr1383Cys (NM_001160227.2); short protein forms Y1383C.
Identifiers: ClinVar variation 952610 (VCV000952610.9), dbSNP rs1020900055, ClinGen allele CA270091889.